The following is an entry in ClinVar:

ClinVar aggregate classification (germline): Uncertain significance (1 of 4 stars; one submission).

Conditions:
Melanoma, cutaneous malignant, susceptibility to, 5. Also called: Cutaneous malignant melanoma 5. Identifiers: Orphanet 618, MedGen C2751295, MONDO:0013133, OMIM 613099.

Submission:

Labcorp Genetics (formerly Invitae), Labcorp
Classification: Uncertain significance for Melanoma, cutaneous malignant, susceptibility to, 5. Last evaluated: 2023-05-05. Review status: criteria provided, single submitter. Criteria: Invitae Variant Classification Sherloc (09022015). Collection method: clinical testing. Allele origin: germline.
Comment: This variant is present in population databases (no rsID available, gnomAD 0.02%). In summary, the available evidence is currently insufficient to determine the role of this variant in disease. Therefore, it has been classified as a Variant of Uncertain Significance. Algorithms developed to predict the effect of sequence changes on RNA splicing suggest that this variant may disrupt the consensus splice site. This variant has not been reported in the literature in individuals affected with MC1R-related conditions. This sequence change affects the initiator methionine of the MC1R mRNA. The next in-frame methionine is located at codon 73.

NM_002386.4(MC1R):c.-11_19del (p.Met1_Gln7del)

Gene: MC1R (melanocortin 1 receptor; plus strand). Cytogenetic location: 16q24.3.
Variant type: Deletion.
Coding change: c.-11_19del on transcript NM_002386.4 (MANE Select); 11 bases upstream of the start codon through coding-DNA position 19, 30 bases deleted (TGGACAGGACTATGGCTGTGCAGGGATCCC).
Protein change: p.Met1_Gln7del.
Molecular consequence: inframe deletion, initiator codon variant.
Genome position (GRCh38, 1-based): chr16:89,919,248-89,919,277, TGGACAGGACTATGGCTGTGCAGGGATCCC deleted; deleting any 30 consecutive bases within chr16:89,919,246-89,919,277 gives the same sequence; the c. name uses the placement nearest the transcript's 3' end. VCF-style (leftmost placement, unchanged base first): chr16-89919245-TCCTGGACAGGACTATGGCTGTGCAGGGATC-T. GRCh37 (hg19) VCF-style: chr16-89985653-TCCTGGACAGGACTATGGCTGTGCAGGGATC-T.
Identifiers: ClinVar variation 2872328 (VCV002872328.3), dbSNP rs1234077928, ClinGen allele CA624455296.
Genomic context (GRCh38, chr16:89,919,245, plus strand): 5'-AGGACACCTGGAGGGGAAGAACTGTGGGGACCTGGAGGCCTCCAACGACTCCTTCCTGCT[TCCTGGACAGGACTATGGCTGTGCAGGGATC>T]CCAGAGAAGACTTCTGGGCTCCCTCAACTCCACCCCCACAGCCATCCCCCAGCTGGGGCT-3'